The following is an entry in ClinVar:

NM_002439.5(MSH3):c.2842G>A (p.Gly948Arg)

Gene: MSH3 (mutS homolog 3; plus strand). Cytogenetic location: 5q14.1.
Variant type: single nucleotide variant.
Coding change: c.2842G>A on transcript NM_002439.5 (MANE Select); coding-DNA position 2842, G replaced by A.
Protein change: p.Gly948Arg; replaces glycine 948 with arginine.
Molecular consequence: missense variant.
Genome position (GRCh38, 1-based): chr5:80,854,158, G>A. VCF-style: chr5-80854158-G-A. GRCh37 (hg19) VCF-style: chr5-80149977-G-A.
Other names: short protein forms G948R.
Identifiers: ClinVar variation 2764818 (VCV002764818.3), dbSNP rs2478771500, ClinGen allele CA360275515.
Genomic context (GRCh38, chr5:80,854,158, plus strand): 5'-GGAAAATCAAGGTGTTTTCATCTTGCTTGTAGGATGGGTGCTGCAGACAATATATATAAA[G>A]GACAGAGTACATTTATGGAAGAACTGACTGACACAGCAGAAATAATCAGAAAAGCAACAT-3'
Protein context (NP_002430.3, residues 938-958): RMGAADNIYK[Gly948Arg]QSTFMEELTD

ClinVar aggregate classification (germline): Uncertain significance (1 of 4 stars; one submission).

Allele frequency attached by ClinVar (database versions not stated): gnomAD exomes below 0.00001.
gnomAD v4.1: 1 of 1,613,538 alleles (0.000062%); highest among the groups gnomAD compares: Non-Finnish European, 0.000085%; no homozygotes.

Submission:

Labcorp Genetics (formerly Invitae), Labcorp
Classification: Uncertain significance. Last evaluated: 2025-08-03. Review status: criteria provided, single submitter. Criteria: Invitae Variant Classification Sherloc (09022015). Collection method: clinical testing. Allele origin: germline.
Comment: This sequence change replaces glycine, which is neutral and non-polar, with arginine, which is basic and polar, at codon 948 of the MSH3 protein (p.Gly948Arg). This variant is not present in population databases (gnomAD no frequency). This variant has not been reported in the literature in individuals affected with MSH3-related conditions. ClinVar contains an entry for this variant (Variation ID: 2764818). An algorithm developed to predict the effect of missense changes on protein structure and function (PolyPhen-2) suggests that this variant is likely to be disruptive. In summary, the available evidence is currently insufficient to determine the role of this variant in disease. Therefore, it has been classified as a Variant of Uncertain Significance.